The following is an entry in ClinVar:

NM_000719.7(CACNA1C):c.6273T>G (p.Asn2091Lys)

Genes: CACNA1C (calcium voltage-gated channel subunit alpha1 C; plus strand), CACNA1C-AS1 (CACNA1C antisense RNA 1; minus strand). Cytogenetic location: 12p13.33.
Variant type: single nucleotide variant.
Coding change: c.6273T>G on transcript NM_000719.7 (MANE Select); coding-DNA position 6273, T replaced by G.
Protein change: p.Asn2091Lys; replaces asparagine 2091 with lysine.
Molecular consequence: missense variant.
Genome position (GRCh38, 1-based): chr12:2,691,055, T>G. VCF-style: chr12-2691055-T-G. GRCh37 (hg19) VCF-style: chr12-2800221-T-G.
Other names: c.6417T>G, p.Asn2139Lys (NM_001129827.2); c.6396T>G, p.Asn2132Lys (NM_001129829.2); c.6378T>G, p.Asn2126Lys (NM_001129830.3, NM_001167624.3); c.6357T>G, p.Asn2119Lys (NM_001129831.2); c.6333T>G, p.Asn2111Lys (NM_001129832.2); c.6330T>G, p.Asn2110Lys (NM_001129833.2, NM_001129834.2, NM_001129835.2); c.6324T>G, p.Asn2108Lys (NM_001129836.2); c.6297T>G, p.Asn2099Lys (NM_001129837.2, NM_001129838.2); and 6 more; short protein forms N2080K, N2097K, N2111K, N2126K, N2151K, N2088K, N2099K, N2119K.
Identifiers: ClinVar variation 2586959 (VCV002586959.2), dbSNP rs1569302244, ClinGen allele CA383386827.
Genomic context (GRCh38, chr12:2,691,055, plus strand): 5'-AGAGGAGATGGAGAGCGCGGCCGACAACATCCTCAGCGGGGGCGCCCCACAGAGCCCCAA[T>G]GGCGCCCTCTTACCCTTTGTGAACTGCAGGGACGCGGGGCAGGACCGAGCCGGGGGCGAA-3'
Protein context (NP_000710.5, residues 2081-2101): ILSGGAPQSP[Asn2091Lys]GALLPFVNCR

ClinVar aggregate classification (germline): Uncertain significance (1 of 4 stars; one submission).

Conditions:
Cardiovascular phenotype. Identifiers: MedGen CN230736.

Allele frequency attached by ClinVar (database versions not stated): gnomAD exomes below 0.00001.
gnomAD v4.1: 1 of 1,607,288 alleles (0.000062%); highest among the groups gnomAD compares: African/African-American, 0.0013%; no homozygotes.

Submission:

Ambry Genetics
Classification: Uncertain significance for Cardiovascular phenotype. Last evaluated: 2023-08-17. Review status: criteria provided, single submitter. Criteria: Ambry Variant Classification Scheme 2023. Collection method: clinical testing. Allele origin: germline.
Comment: The p.N2091K variant (also known as c.6273T>G), located in coding exon 47 of the CACNA1C gene, results from a T to G substitution at nucleotide position 6273. The asparagine at codon 2091 is replaced by lysine, an amino acid with similar properties. This amino acid position is well conserved in available vertebrate species. In addition, this alteration is predicted to be tolerated by in silico analysis. Since supporting evidence is limited at this time, the clinical significance of this alteration remains unclear.